The following is an entry in ClinVar:

ClinVar aggregate classification (germline): Likely benign (1 of 4 stars; one submission).

Conditions:
RP1L1-related disorder. Also called: RP1L1-related condition.

Submission:

PreventionGenetics, part of Exact Sciences
Classification: Likely benign for RP1L1-related condition. Last evaluated: 2024-12-12. Review status: criteria provided, single submitter. Criteria: ACMG Guidelines, 2015. Collection method: clinical testing. Allele origin: germline.
Comment: This variant is classified as likely benign based on ACMG/AMP sequence variant interpretation guidelines (Richards et al. 2015 PMID: 25741868, with internal and published modifications).

NM_178857.6(RP1L1):c.4659G>A (p.Leu1553=)

Gene: RP1L1 (RP1 like 1). Cytogenetic location: 8p23.1.
Variant type: single nucleotide variant.
Coding change: c.4659G>A on transcript NM_178857.6 (MANE Select); coding-DNA position 4659, G replaced by A.
Protein change: p.Leu1553=; no amino-acid change (leucine 1553 retained).
Molecular consequence: synonymous variant.
Genome position (GRCh38, 1-based): chr8:10,609,439, C>T on the plus strand (G>A on the coding strand, the complement: RP1L1 is on the minus strand). VCF-style: chr8-10609439-C-T. GRCh37 (hg19) VCF-style: chr8-10466949-C-T.
Identifiers: ClinVar variation 4987818 (VCV004987818.1).